The following is an entry in ClinVar:

ClinVar aggregate classification (germline): Pathogenic (1 of 4 stars; one submission).

Conditions:
Joubert syndrome 21 (JBTS21). Identifiers: MedGen C3810212, MONDO:0014288, OMIM 615636.

Submission:

Labcorp Genetics (formerly Invitae), Labcorp
Classification: Pathogenic for Joubert syndrome 21. Last evaluated: 2025-06-30. Review status: criteria provided, single submitter. Criteria: Invitae Variant Classification Sherloc (09022015). Collection method: clinical testing. Allele origin: germline.
Comment: This sequence change creates a premature translational stop signal (p.Pro1084Leufs*20) in the CSPP1 gene. It is expected to result in an absent or disrupted protein product. Loss-of-function variants in CSPP1 are known to be pathogenic (PMID: 24360807, 24360808). This variant is present in population databases (no rsID available, gnomAD 0.009%). This variant has not been reported in the literature in individuals affected with CSPP1-related conditions. ClinVar contains an entry for this variant (Variation ID: 1933382). For these reasons, this variant has been classified as Pathogenic.

Literature cited by the submitters: PubMed 24360807; PubMed 24360808.

NM_001382391.1(CSPP1):c.3266del (p.Pro1089fs)

Genes: ARFGEF1 (ARF guanine nucleotide exchange factor 1; minus strand), CSPP1 (centrosome and spindle pole associated protein 1; plus strand). Cytogenetic location: 8q13.2.
Variant type: Deletion.
Coding change: c.3266del on transcript NM_001382391.1 (MANE Select); coding-DNA position 3266, one base deleted (C; older notation c.3266delC).
Protein change: p.Pro1089fs; shifts the reading frame from proline 1089.
Molecular consequence: frameshift variant. On other transcripts: intron variant (2).
Genome position (GRCh38, 1-based): chr8:67,190,695, C deleted; the last of 3 consecutive C bases (chr8:67,190,693-67,190,695); deleting any one gives the same sequence. VCF-style (leftmost placement, unchanged base first): chr8-67190692-TC-T. GRCh37 (hg19) VCF-style: chr8-68102927-TC-T.
Other names: c.3332del, p.Pro1111fs (NM_001364869.1); c.3152del, p.Pro1051fs (NM_001364870.1); c.3098del, p.Pro1033fs (NM_001438330.1); c.3251del, p.Pro1084fs (NM_001438331.1, NM_024790.7); c.2567del, p.Pro856fs (NM_001438332.1); c.5367+9703del (NM_001413186.1); c.5385+9703del (NM_001413187.1); c.2216del, p.Pro739fs (NM_001291339.2); and 3 more; short protein forms P1024fs, P1084fs, P1089fs, P1111fs, P1062fs, P997fs, P1051fs, P739fs.
Identifiers: ClinVar variation 1933382 (VCV001933382.4), dbSNP rs1452342471, ClinGen allele CA582507208.